The following is an entry in ClinVar:

ClinVar aggregate classification (germline): Uncertain significance. Review status: criteria provided, multiple submitters, no conflicts (2 of 4 stars). 3 submissions from 3 submitters: Uncertain significance (3). Last evaluated 2025-09-01.

Conditions:
Cardiovascular phenotype. Identifiers: MedGen CN230736.
Hypertrophic cardiomyopathy 14. Identifiers: MedGen C2750467, MONDO:0013197, OMIM 613251.

Allele frequency attached by ClinVar (database versions not stated): gnomAD exomes 0.00001 and 0.00002; ExAC 0.00002.
gnomAD v4.1: 14 of 1,613,464 alleles (0.00087%); highest among the groups gnomAD compares: Non-Finnish European, 0.0011%; no homozygotes.

Submissions (3):

CeGaT Center for Human Genetics Tuebingen
Classification: Uncertain significance. Last evaluated: 2025-09-01. Review status: criteria provided, single submitter. Criteria: CeGaT Center For Human Genetics Tuebingen Variant Classification Criteria Version 2. Collection method: clinical testing. Allele origin: germline. Affected: yes. Observed: 1 variant allele.
Comment: MYH6: PP3

Ambry Genetics
Classification: Uncertain significance for Cardiovascular phenotype. Last evaluated: 2025-06-23. Review status: criteria provided, single submitter. Criteria: Ambry Variant Classification Scheme 2023. Collection method: clinical testing. Allele origin: germline.
Comment: The p.I1454N variant (also known as c.4361T>A), located in coding exon 29 of the MYH6 gene, results from a T to A substitution at nucleotide position 4361. The isoleucine at codon 1454 is replaced by asparagine, an amino acid with dissimilar properties. This amino acid position is conserved. In addition, the in silico prediction for this alteration is inconclusive. Since supporting evidence is limited at this time, the clinical significance of this alteration remains unclear.

Labcorp Genetics (formerly Invitae), Labcorp
Classification: Uncertain significance for Hypertrophic cardiomyopathy 14. Last evaluated: 2023-12-30. Review status: criteria provided, single submitter. Criteria: Invitae Variant Classification Sherloc (09022015). Collection method: clinical testing. Allele origin: germline.
Comment: This sequence change replaces isoleucine, which is neutral and non-polar, with asparagine, which is neutral and polar, at codon 1454 of the MYH6 protein (p.Ile1454Asn). This variant is present in population databases (rs746342054, gnomAD 0.004%). This variant has not been reported in the literature in individuals affected with MYH6-related conditions. ClinVar contains an entry for this variant (Variation ID: 1008849). An algorithm developed to predict the effect of missense changes on protein structure and function (PolyPhen-2) suggests that this variant is likely to be disruptive. In summary, the available evidence is currently insufficient to determine the role of this variant in disease. Therefore, it has been classified as a Variant of Uncertain Significance.

NM_002471.4(MYH6):c.4361T>A (p.Ile1454Asn)

Gene: MYH6 (myosin heavy chain 6; minus strand). Cytogenetic location: 14q11.2.
Variant type: single nucleotide variant.
Coding change: c.4361T>A on transcript NM_002471.4 (MANE Select); coding-DNA position 4361, T replaced by A.
Protein change: p.Ile1454Asn; replaces isoleucine 1454 with asparagine.
Molecular consequence: missense variant.
Genome position (GRCh38, 1-based): chr14:23,387,922, A>T on the plus strand (T>A on the coding strand, the complement: MYH6 is on the minus strand). VCF-style: chr14-23387922-A-T. GRCh37 (hg19) VCF-style: chr14-23857131-A-T.
Other names: short protein forms I1454N.
Identifiers: ClinVar variation 1008849 (VCV001008849.15), dbSNP rs746342054, ClinGen allele CA7114783.